The following is an entry in ClinVar:

ClinVar aggregate classification (germline): Conflicting classifications of pathogenicity. Review status: criteria provided, conflicting classifications (1 of 4 stars). 3 submissions from 3 submitters: Uncertain significance (2); Likely benign (1). Last evaluated 2026-01-19.

Conditions:
Inborn genetic diseases. Identifiers: MedGen C0950123, MeSH D030342.
H syndrome. Also called: FAISALABAD HISTIOCYTOSIS; Histiocytosis with joint contractures and sensorineural deafness; Asrar Facharzt Haque syndrome; Pigmented hypertrichosis and insulin-dependent diabetes mellitus; HISTIOCYTOSIS AND LYMPHADENOPATHY WITH OR WITHOUT CUTANEOUS, CARDIAC, AND/OR ENDOCRINE FEATURES, JOINT CONTRACTURES, AND/OR DEAFNESS; HYPERPIGMENTATION, CUTANEOUS, WITH HYPERTRICHOSIS, HEPATOSPLENOMEGALY, HEART ANOMALIES, AND HYPOGONADISM WITH OR WITHOUT HEARING LOSS. Identifiers: Orphanet 168569, MedGen C1864445, MONDO:0011273, OMIM 602782.

Allele frequency attached by ClinVar (database versions not stated): ExAC 0.00001; gnomAD 0.00001 and 0.00002; TOPMed 0.00002; ESP Exome Variant Server 0.00008.
gnomAD v4.1: 34 of 1,613,986 alleles (0.0021%); highest among the groups gnomAD compares: Middle Eastern, 0.016%; no homozygotes.

Submissions (3):

Labcorp Genetics (formerly Invitae), Labcorp
Classification: Uncertain significance for H syndrome. Last evaluated: 2026-01-19. Review status: criteria provided, single submitter. Criteria: Invitae Variant Classification Sherloc (09022015). Collection method: clinical testing. Allele origin: germline.
Comment: This sequence change replaces alanine, which is neutral and non-polar, with valine, which is neutral and non-polar, at codon 266 of the SLC29A3 protein (p.Ala266Val). This variant is present in population databases (rs142991278, gnomAD 0.007%). This variant has not been reported in the literature in individuals affected with SLC29A3-related conditions. ClinVar contains an entry for this variant (Variation ID: 300364). Invitae Evidence Modeling of protein sequence and biophysical properties (such as structural, functional, and spatial information, amino acid conservation, physicochemical variation, residue mobility, and thermodynamic stability) indicates that this missense variant is not expected to disrupt SLC29A3 protein function with a negative predictive value of 95%. In summary, the available evidence is currently insufficient to determine the role of this variant in disease. Therefore, it has been classified as a Variant of Uncertain Significance.

Ambry Genetics
Classification: Likely benign for Inborn genetic diseases. Last evaluated: 2024-11-24. Review status: criteria provided, single submitter. Criteria: Ambry Variant Classification Scheme 2023. Collection method: clinical testing. Allele origin: germline.

Illumina Laboratory Services, Illumina
Classification: Uncertain significance for H syndrome. Last evaluated: 2018-01-12. Review status: criteria provided, single submitter. Criteria: ICSL Variant Classification Criteria 13 December 2019. Collection method: clinical testing. Allele origin: germline.

NM_018344.6(SLC29A3):c.797C>T (p.Ala266Val)

Gene: SLC29A3 (solute carrier family 29 member 3; plus strand). Cytogenetic location: 10q22.1.
Variant type: single nucleotide variant.
Coding change: c.797C>T on transcript NM_018344.6 (MANE Select); coding-DNA position 797, C replaced by T.
Protein change: p.Ala266Val; replaces alanine 266 with valine.
Molecular consequence: missense variant. On other transcripts: 3 prime UTR variant (1), non-coding transcript variant (2).
Genome position (GRCh38, 1-based): chr10:71,361,977, C>T. VCF-style: chr10-71361977-C-T. GRCh37 (hg19) VCF-style: chr10-73121734-C-T.
Other names: c.*26C>T (NM_001174098.2); c.563C>T, p.Ala188Val (NM_001363518.2); short protein forms A266V, A188V.
Identifiers: ClinVar variation 300364 (VCV000300364.13), dbSNP rs142991278, ClinGen allele CA5543057.